The following is an entry in ClinVar:

ClinVar aggregate classification (germline): Likely benign (1 of 4 stars; one submission).

Allele frequency attached by ClinVar (database versions not stated): gnomAD 0.00001.
gnomAD v4.1: 9 of 1,523,646 alleles (0.00059%); highest among the groups gnomAD compares: Non-Finnish European, 0.0008%; no homozygotes.

Submission:

CeGaT Center for Human Genetics Tuebingen
Classification: Likely benign. Last evaluated: 2022-11-01. Review status: criteria provided, single submitter. Criteria: CeGaT Center For Human Genetics Tuebingen Variant Classification Criteria Version 2. Collection method: clinical testing. Allele origin: germline. Affected: yes. Observed: 1 variant allele.
Comment: PXDN: BP4, BP7

NM_012293.3(PXDN):c.2586C>T (p.Ile862=)

Gene: PXDN (peroxidasin; minus strand). Cytogenetic location: 2p25.3.
Variant type: single nucleotide variant.
Coding change: c.2586C>T on transcript NM_012293.3 (MANE Select); coding-DNA position 2586, C replaced by T.
Protein change: p.Ile862=; no amino-acid change (isoleucine 862 retained).
Molecular consequence: synonymous variant.
Genome position (GRCh38, 1-based): chr2:1,649,194, G>A on the plus strand (C>T on the coding strand, the complement: PXDN is on the minus strand). VCF-style: chr2-1649194-G-A. GRCh37 (hg19) VCF-style: chr2-1652966-G-A.
Identifiers: ClinVar variation 2650609 (VCV002650609.24), dbSNP rs1189597990, ClinGen allele CA424758117.